The following is an entry in ClinVar:

NM_020693.4(DSCAML1):c.896C>T (p.Thr299Ile)

Gene: DSCAML1 (DS cell adhesion molecule like 1; minus strand). Cytogenetic location: 11q23.3.
Variant type: single nucleotide variant.
Coding change: c.896C>T on transcript NM_020693.4 (MANE Select); coding-DNA position 896, C replaced by T.
Protein change: p.Thr299Ile; replaces threonine 299 with isoleucine.
Molecular consequence: missense variant.
Genome position (GRCh38, 1-based): chr11:117,524,846, G>A on the plus strand (C>T on the coding strand, the complement: DSCAML1 is on the minus strand). VCF-style: chr11-117524846-G-A. GRCh37 (hg19) VCF-style: chr11-117395561-G-A.
Other names: c.896C>T, p.Thr299Ile (NM_001367904.1); c.488C>T, p.Thr163Ile (NM_001367905.1); short protein forms T163I, T299I.
Identifiers: ClinVar variation 2714902 (VCV002714902.3), dbSNP rs1439007141, ClinGen allele CA382749175.

ClinVar aggregate classification (germline): Uncertain significance (1 of 4 stars; one submission).

Allele frequency attached by ClinVar (database versions not stated): gnomAD 0.00001; TOPMed 0.00001.
gnomAD v4.1: 5 of 1,597,610 alleles (0.00031%); highest among the groups gnomAD compares: Admixed American, 0.0069%; no homozygotes.

Submission:

Labcorp Genetics (formerly Invitae), Labcorp
Classification: Uncertain significance. Last evaluated: 2023-01-01. Review status: criteria provided, single submitter. Criteria: Invitae Variant Classification Sherloc (09022015). Collection method: clinical testing. Allele origin: germline.
Comment: In summary, the available evidence is currently insufficient to determine the role of this variant in disease. Therefore, it has been classified as a Variant of Uncertain Significance. Algorithms developed to predict the effect of missense changes on protein structure and function are either unavailable or do not agree on the potential impact of this missense change (SIFT: "Deleterious"; PolyPhen-2: "Benign"; Align-GVGD: "Class C0"). This variant has not been reported in the literature in individuals affected with DSCAML1-related conditions. The frequency data for this variant in the population databases is considered unreliable, as metrics indicate poor data quality at this position in the gnomAD database. This sequence change replaces threonine, which is neutral and polar, with isoleucine, which is neutral and non-polar, at codon 359 of the DSCAML1 protein (p.Thr359Ile).